The following is an entry in ClinVar:

ClinVar aggregate classification (germline): Uncertain significance (1 of 4 stars; one submission).

gnomAD v4.1: 2 of 1,609,922 alleles (0.00012%); highest among the groups gnomAD compares: Admixed American, 0.0017%; no homozygotes.

Submission:

Ambry Genetics
Classification: Uncertain significance. Last evaluated: 2025-04-04. Review status: criteria provided, single submitter. Criteria: Ambry Variant Classification Scheme 2023. Collection method: clinical testing. Allele origin: germline.
Comment: The p.A1062V variant (also known as c.3185C>T), located in coding exon 12 of the WNK2 gene, results from a C to T substitution at nucleotide position 3185. The alanine at codon 1062 is replaced by valine, an amino acid with similar properties. This amino acid position is conserved. In addition, this alteration is predicted to be tolerated by in silico analysis. Based on the available evidence, the clinical significance of this variant remains unclear.

NM_006648.4(WNK2):c.3185C>T (p.Ala1062Val)

Gene: WNK2 (WNK lysine deficient protein kinase 2; plus strand). Cytogenetic location: 9q22.31.
Variant type: single nucleotide variant.
Coding change: c.3185C>T on transcript NM_006648.4 (MANE Select); coding-DNA position 3185, C replaced by T.
Protein change: p.Ala1062Val; replaces alanine 1062 with valine.
Molecular consequence: missense variant.
Genome position (GRCh38, 1-based): chr9:93,261,932, C>T. VCF-style: chr9-93261932-C-T. GRCh37 (hg19) VCF-style: chr9-96024214-C-T.
Other names: c.3185C>T, p.Ala1062Val (NM_001282394.3); short protein forms A1062V.
Identifiers: ClinVar variation 3981796 (VCV003981796.1).